The following is an entry in ClinVar:

ClinVar aggregate classification (germline): Likely benign. Review status: criteria provided, multiple submitters, no conflicts (2 of 4 stars). 2 submissions from 2 submitters: Likely benign (2). Last evaluated 2026-02-01.

Allele frequency attached by ClinVar (database versions not stated): TOPMed below 0.00001; gnomAD exomes 0.00001; gnomAD 0.00002.
gnomAD v4.1: 18 of 1,614,016 alleles (0.0011%); highest among the groups gnomAD compares: Non-Finnish European, 0.00068%; no homozygotes.

Submissions (2):

CeGaT Center for Human Genetics Tuebingen
Classification: Likely benign. Last evaluated: 2026-02-01. Review status: criteria provided, single submitter. Criteria: CeGaT Center For Human Genetics Tuebingen Variant Classification Criteria Version 2. Collection method: clinical testing. Allele origin: germline. Affected: yes. Observed: 1 variant allele.
Comment: DNAH9: BP4, BP7

Labcorp Genetics (formerly Invitae), Labcorp
Classification: Likely benign. Last evaluated: 2025-09-28. Review status: criteria provided, single submitter. Criteria: Invitae Variant Classification Sherloc (09022015). Collection method: clinical testing. Allele origin: germline.

NM_001372.4(DNAH9):c.9810C>T (p.Ile3270=)

Gene: DNAH9 (dynein axonemal heavy chain 9; plus strand). Cytogenetic location: 17p12.
Variant type: single nucleotide variant.
Coding change: c.9810C>T on transcript NM_001372.4 (MANE Select); coding-DNA position 9810, C replaced by T.
Protein change: p.Ile3270=; no amino-acid change (isoleucine 3270 retained).
Molecular consequence: synonymous variant.
Genome position (GRCh38, 1-based): chr17:11,854,305, C>T. VCF-style: chr17-11854305-C-T. GRCh37 (hg19) VCF-style: chr17-11757622-C-T.
Identifiers: ClinVar variation 1922675 (VCV001922675.9), dbSNP rs1437364269, ClinGen allele CA497981973.
Genomic context (GRCh38, chr17:11,854,305, plus strand): 5'-CAATCCTGAGTTTGTGGCCACCAAATCCTATGCGGCTGCAGGCCTCTGCTCCTGGGTCAT[C>T]AATATTGTGAGATTTTATGAGGTGTTCTGTGATGTGGAACCCAAGCGCCAGGCACTGAAC-3'
Protein context (NP_001363.2, residues 3260-3280): YAAAGLCSWV[Ile3270=]NIVRFYEVFC